The following is an entry in ClinVar:

NM_004963.4(GUCY2C):c.454G>A (p.Asp152Asn)

Genes: GUCY2C (guanylate cyclase 2C; minus strand), GUCY2C-AS1 (GUCY2C antisense RNA 1; plus strand). Cytogenetic location: 12p12.3.
Variant type: single nucleotide variant.
Coding change: c.454G>A on transcript NM_004963.4 (MANE Select); coding-DNA position 454, G replaced by A.
Protein change: p.Asp152Asn; replaces aspartic acid 152 with asparagine.
Molecular consequence: missense variant.
Genome position (GRCh38, 1-based): chr12:14,683,199, C>T on the plus strand (G>A on the coding strand, the complement: GUCY2C is on the minus strand). VCF-style: chr12-14683199-C-T. GRCh37 (hg19) VCF-style: chr12-14836133-C-T.
Other names: short protein forms D152N.
Identifiers: ClinVar variation 2805064 (VCV002805064.3), dbSNP rs2497801901, ClinGen allele CA384006422.

ClinVar aggregate classification (germline): Uncertain significance (1 of 4 stars; one submission).

Submission:

Labcorp Genetics (formerly Invitae), Labcorp
Classification: Uncertain significance. Last evaluated: 2023-12-11. Review status: criteria provided, single submitter. Criteria: Invitae Variant Classification Sherloc (09022015). Collection method: clinical testing. Allele origin: germline.
Comment: This sequence change replaces aspartic acid, which is acidic and polar, with asparagine, which is neutral and polar, at codon 152 of the GUCY2C protein (p.Asp152Asn). This variant is not present in population databases (gnomAD no frequency). This variant has not been reported in the literature in individuals affected with GUCY2C-related conditions. Advanced modeling of protein sequence and biophysical properties (such as structural, functional, and spatial information, amino acid conservation, physicochemical variation, residue mobility, and thermodynamic stability) performed at Invitae indicates that this missense variant is not expected to disrupt GUCY2C protein function with a negative predictive value of 80%. In summary, the available evidence is currently insufficient to determine the role of this variant in disease. Therefore, it has been classified as a Variant of Uncertain Significance.